The following is an entry in ClinVar:

ClinVar aggregate classification (germline): Uncertain significance (1 of 4 stars; one submission).

Conditions:
Familial thoracic aortic aneurysm and aortic dissection (TAAD). Also called: Thoracic aortic aneurysms and dissections. Identifiers: Orphanet 91387, MedGen C4707243, MONDO:0019625.

Submission:

Ambry Genetics
Classification: Uncertain significance for Familial thoracic aortic aneurysm and aortic dissection. Last evaluated: 2024-10-08. Review status: criteria provided, single submitter. Criteria: Ambry Variant Classification Scheme 2023. Collection method: clinical testing. Allele origin: germline.
Comment: The p.K304N variant (also known as c.912A>T), located in coding exon 5 of the TGFBR1 gene, results from an A to T substitution at nucleotide position 912. The lysine at codon 304 is replaced by asparagine, an amino acid with similar properties. This amino acid position is conserved. In addition, this alteration is predicted to be tolerated by in silico analysis. Based on the available evidence, the clinical significance of this variant remains unclear.

NM_004612.4(TGFBR1):c.912A>T (p.Lys304Asn)

Gene: TGFBR1 (transforming growth factor beta receptor 1; plus strand). Cytogenetic location: 9q22.33.
Variant type: single nucleotide variant.
Coding change: c.912A>T on transcript NM_004612.4 (MANE Select); coding-DNA position 912, A replaced by T.
Protein change: p.Lys304Asn; replaces lysine 304 with asparagine.
Molecular consequence: missense variant. On other transcripts: non-coding transcript variant (4), intron variant (2).
Genome position (GRCh38, 1-based): chr9:99,142,642, A>T. VCF-style: chr9-99142642-A-T. GRCh37 (hg19) VCF-style: chr9-101904924-A-T.
Other names: c.681A>T, p.Lys227Asn (NM_001130916.3, NM_001407435.1); c.924A>T, p.Lys308Asn (NM_001306210.2); c.717A>T, p.Lys239Asn (NM_001407418.1, NM_001407419.1, NM_001407420.1 and 1 more transcripts); c.705A>T, p.Lys235Asn (NM_001407423.1, NM_001407424.1, NM_001407425.1 and 8 more transcripts); c.666A>T, p.Lys222Asn (NM_001407436.1); c.204A>T, p.Lys68Asn (NM_001407437.1); c.435A>T, p.Lys145Asn (NM_001407438.1); c.818-2090A>T (NM_001407416.1); and 1 more; short protein forms K227N, K145N, K239N, K308N, K235N, K68N, K222N, K304N.
Identifiers: ClinVar variation 3455830 (VCV003455830.1).